The following is an entry in ClinVar:

NM_017617.5(NOTCH1):c.4855T>C (p.Tyr1619His)

Gene: NOTCH1 (notch receptor 1; minus strand). Cytogenetic location: 9q34.3.
Variant type: single nucleotide variant.
Coding change: c.4855T>C on transcript NM_017617.5 (MANE Select); coding-DNA position 4855, T replaced by C.
Protein change: p.Tyr1619His; replaces tyrosine 1619 with histidine.
Molecular consequence: missense variant.
Genome position (GRCh38, 1-based): chr9:136,504,836, A>G on the plus strand (T>C on the coding strand, the complement: NOTCH1 is on the minus strand). VCF-style: chr9-136504836-A-G. GRCh37 (hg19) VCF-style: chr9-139399288-A-G.
Other names: short protein forms Y1619H.
Identifiers: ClinVar variation 4827156 (VCV004827156.1).
Genomic context (GRCh38, chr9:136,504,836, plus strand): 5'-CCCAGCCCTCGGCGGCACGCTTGATGGGGTGCTTGCGCAGCTCCTCCTCGCGGCCGTAGT[A>G]GGGGAAGATCATCTGCTGGCCGTGTGCGTCACGCTTGAAGACCACGTTGGTGTGCAGCAC-3'
Protein context (NP_060087.3, residues 1609-1629): DAHGQQMIFP[Tyr1619His]YGREEELRKH

ClinVar aggregate classification (germline): Uncertain significance (1 of 4 stars; one submission).

Conditions:
Familial thoracic aortic aneurysm and aortic dissection (TAAD). Also called: Thoracic aortic aneurysms and dissections. Identifiers: Orphanet 91387, MedGen C4707243, MONDO:0019625.

Submission:

Ambry Genetics
Classification: Uncertain significance for Familial thoracic aortic aneurysm and aortic dissection. Last evaluated: 2026-03-12. Review status: criteria provided, single submitter. Criteria: Ambry Variant Classification Scheme 2023. Collection method: clinical testing. Allele origin: germline.
Comment: The p.Y1619H variant (also known as c.4855T>C), located in coding exon 26 of the NOTCH1 gene, results from a T to C substitution at nucleotide position 4855. The tyrosine at codon 1619 is replaced by histidine, an amino acid with similar properties. This amino acid position is conserved. In addition, this alteration is predicted to be deleterious by in silico analysis. Based on the available evidence, the clinical significance of this variant remains unclear.